The following is an entry in ClinVar:

ClinVar aggregate classification (germline): Pathogenic (1 of 4 stars; one submission).

Conditions:
Spastic paraplegia. Identifiers: MedGen C0037772, HP:0001258.

gnomAD v4.1: 1 of 1,614,014 alleles (0.000062%); highest among the groups gnomAD compares: Non-Finnish European, 0.000085%; no homozygotes.

Submission:

Labcorp Genetics (formerly Invitae), Labcorp
Classification: Pathogenic for Spastic paraplegia. Last evaluated: 2021-11-19. Review status: criteria provided, single submitter. Criteria: Invitae Variant Classification Sherloc (09022015). Collection method: clinical testing. Allele origin: germline.
Comment: For these reasons, this variant has been classified as Pathogenic. This sequence change creates a premature translational stop signal (p.Lys166*) in the FA2H gene. It is expected to result in an absent or disrupted protein product. Loss-of-function variants in FA2H are known to be pathogenic (PMID: 20853438, 25496456, 25732363, 26344562). This variant is not present in population databases (gnomAD no frequency). This variant has not been reported in the literature in individuals affected with FA2H-related conditions.

Literature cited by the submitters: PubMed 20853438; PubMed 25496456; PubMed 25732363; PubMed 26344562.

NM_024306.5(FA2H):c.496A>T (p.Lys166Ter)

Gene: FA2H (fatty acid 2-hydroxylase; minus strand). Cytogenetic location: 16q23.1.
Variant type: single nucleotide variant.
Coding change: c.496A>T on transcript NM_024306.5 (MANE Select); coding-DNA position 496, A replaced by T.
Protein change: p.Lys166Ter; replaces lysine 166 with a stop codon.
Molecular consequence: nonsense.
Genome position (GRCh38, 1-based): chr16:74,727,254, T>A on the plus strand (A>T on the coding strand, the complement: FA2H is on the minus strand). VCF-style: chr16-74727254-T-A. GRCh37 (hg19) VCF-style: chr16-74761152-T-A.
Other names: short protein forms K166*.
Identifiers: ClinVar variation 1439740 (VCV001439740.6), dbSNP rs2144617221, ClinGen allele CA396770001.